The following is an entry in ClinVar:

ClinVar aggregate classification (germline): Conflicting classifications of pathogenicity. Review status: criteria provided, conflicting classifications (1 of 4 stars). 3 submissions from 3 submitters: Uncertain significance (1); Benign (1). 1 of the submissions does not count toward it. Last evaluated 2025-12-15.

Conditions:
Inborn genetic diseases. Identifiers: MedGen C0950123, MeSH D030342.
NEDD4L-related disorder. Also called: NEDD4L-related condition.

Allele frequency attached by ClinVar (database versions not stated): gnomAD exomes 0.00002 and 0.00005; ExAC 0.00006; TOPMed 0.00019; gnomAD 0.00023 and 0.00026; ESP Exome Variant Server 0.00024.
gnomAD v4.1: 68 of 1,613,944 alleles (0.0042%); highest among the groups gnomAD compares: African/African-American, 0.088%; no homozygotes.

Submissions (3):

Labcorp Genetics (formerly Invitae), Labcorp
Classification: Benign. Last evaluated: 2025-12-15. Review status: criteria provided, single submitter. Criteria: Invitae Variant Classification Sherloc (09022015). Collection method: clinical testing. Allele origin: germline.

Ambry Genetics
Classification: Uncertain significance for Inborn genetic diseases. Last evaluated: 2021-04-28. Review status: criteria provided, single submitter. Criteria: Ambry Variant Classification Scheme 2023. Collection method: clinical testing. Allele origin: germline.

PreventionGenetics, part of Exact Sciences
Classification: Likely benign for NEDD4L-related condition. Last evaluated: 2023-09-27. Review status: no assertion criteria provided. Collection method: clinical testing. Allele origin: germline. Not counted in ClinVar's aggregate classification.
Comment: This variant is classified as likely benign based on ACMG/AMP sequence variant interpretation guidelines (Richards et al. 2015 PMID: 25741868, with internal and published modifications).

NM_001144967.3(NEDD4L):c.580C>T (p.Pro194Ser)

Gene: NEDD4L (NEDD4 like E3 ubiquitin protein ligase; plus strand). Cytogenetic location: 18q21.31.
Variant type: single nucleotide variant.
Coding change: c.580C>T on transcript NM_001144967.3 (MANE Select); coding-DNA position 580, C replaced by T.
Protein change: p.Pro194Ser; replaces proline 194 with serine.
Molecular consequence: missense variant.
Genome position (GRCh38, 1-based): chr18:58,325,062, C>T. VCF-style: chr18-58325062-C-T. GRCh37 (hg19) VCF-style: chr18-55992294-C-T.
Other names: c.217C>T, p.Pro73Ser (NM_001144964.1, NM_001144965.2, NM_001144966.3 and 2 more transcripts); c.556C>T, p.Pro186Ser (NM_001144968.2, NM_001144969.2); c.580C>T, p.Pro194Ser (NM_001243960.2, NM_015277.6); short protein forms P186S, P194S, P73S.
Identifiers: ClinVar variation 860491 (VCV000860491.12), dbSNP rs375316659, ClinGen allele CA8975400.
Genomic context (GRCh38, chr18:58,325,062, plus strand): 5'-TGGGAAGTTGTTGACTCAAATGACTCGGCTTCTCAGCACCAAGAGGAACTTCCTCCTCCT[C>T]CTCTGCCTCCCGGGTGGGAAGAAAAAGTGGACAATTTAGGCCGAACTTACTATGTCAACC-3'
Protein context (NP_001138439.1, residues 184-204): SQHQEELPPP[Pro194Ser]LPPGWEEKVD